The following is an entry in ClinVar:

NC_000009.11:g.(?_328002)_(399279_?)dup

Gene: DOCK8 (dedicator of cytokinesis 8; plus strand). Cytogenetic location: 9p24.3.
Variant type: Duplication.
Identifiers: ClinVar variation 1377207 (VCV001377207.8).

ClinVar aggregate classification (germline): Uncertain significance (1 of 4 stars; one submission).

Conditions:
Hyper-IgE recurrent infection syndrome 3, autosomal recessive. Also called: Autosomal recessive hyper-IgE syndrome due to ZNF341 deficiency; HYPER-IgE SYNDROME 3, AUTOSOMAL RECESSIVE, WITH RECURRENT INFECTIONS. Identifiers: Orphanet 641368, MedGen C4748969, MONDO:0032654, OMIM 618282.

Submission:

Labcorp Genetics (formerly Invitae), Labcorp
Classification: Uncertain significance for Combined immunodeficiency due to DOCK8 deficiency. Last evaluated: 2021-02-26. Review status: criteria provided, single submitter. Criteria: Invitae Variant Classification Sherloc (09022015). Collection method: clinical testing. Allele origin: germline.
Comment: In summary, the available evidence is currently insufficient to determine the role of this variant in disease. Therefore, it has been classified as a Variant of Uncertain Significance. Experimental studies and prediction algorithms are not available or were not evaluated, and the functional significance of this variant is currently unknown. This variant has not been reported in the literature in individuals with DOCK8-related conditions. This variant results in a copy number gain of the genomic region encompassing exon(s) 9-26 of the DOCK8 gene. While the exact position of this variant cannot be determined from the data, sub-genic copy number gains are generally in tandem (PMID: 25640679). This variant is predicted to be in-frame, and likely preserves the integrity of the reading frame.

Literature cited by the submitters: PubMed 25640679.